The following is an entry in ClinVar:

ClinVar aggregate classification (germline): Uncertain significance. Review status: criteria provided, multiple submitters, no conflicts (2 of 4 stars). 3 submissions from 3 submitters: Uncertain significance (3). Last evaluated 2024-08-06.

Conditions:
Hypertrophic cardiomyopathy. Also called: HYPERTROPHIC MYOCARDIOPATHY. Identifiers: Orphanet 217569, MedGen C0007194, MeSH D002312, MONDO:0005045, HP:0001639.
Cardiovascular phenotype. Identifiers: MedGen CN230736.

Allele frequency attached by ClinVar (database versions not stated): TOPMed below 0.00001; gnomAD 0.00001.
gnomAD v4.1: 3 of 1,613,622 alleles (0.00019%); highest among the groups gnomAD compares: South Asian, 0.0011%; no homozygotes.

Submissions (3):

All of Us Research Program, National Institutes of Health
Classification: Uncertain significance for Hypertrophic cardiomyopathy. Last evaluated: 2024-08-06. Review status: criteria provided, single submitter. Criteria: ACMG Guidelines, 2015. Collection method: clinical testing. Allele origin: germline. Inheritance: Autosomal dominant inheritance. Observed: 1 variant allele, 1 heterozygote.
Comment: This study involves interpretation of variants in research participants for the purpose of population health screening. Participant phenotype was not available at the time of variant classification. Additional details can be found in publication PMID: 35346344, PMCID: PMC8962531

Ambry Genetics
Classification: Uncertain significance for Cardiovascular phenotype. Last evaluated: 2024-08-06. Review status: criteria provided, single submitter. Criteria: Ambry Variant Classification Scheme 2023. Collection method: clinical testing. Allele origin: germline.
Comment: The p.G1249D variant (also known as c.3746G>A), located in coding exon 33 of the MYBPC3 gene, results from a G to A substitution at nucleotide position 3746. The glycine at codon 1249 is replaced by aspartic acid, an amino acid with some similar properties. Another alteration affecting this amino acid (p.G1249V, c.3746G>T) has been previously reported in association with hypertrophic cardiomyopathy (Berge KE et al. Clin Genet. 2014;86(4):355-60). This variant was not reported in population based cohorts in the following databases: Database of Single Nucleotide Polymorphisms (dbSNP), Exome Aggregation Consortium (ExAC), NHLBI Exome Sequencing Project (ESP), and 1000 Genomes Project. In the ESP, this variant was not observed in 6137 samples (12274 alleles) with coverage at this position. This amino acid position is highly conserved in available vertebrate species. In addition, this alteration is predicted to be deleterious by in silico analysis. Since supporting evidence is limited at this time, the clinical significance of this alteration remains unclear.

Labcorp Genetics (formerly Invitae), Labcorp
Classification: Uncertain significance for Hypertrophic cardiomyopathy. Last evaluated: 2024-07-16. Review status: criteria provided, single submitter. Criteria: Invitae Variant Classification Sherloc (09022015). Collection method: clinical testing. Allele origin: germline.
Comment: This sequence change replaces glycine, which is neutral and non-polar, with aspartic acid, which is acidic and polar, at codon 1249 of the MYBPC3 protein (p.Gly1249Asp). This variant is not present in population databases (gnomAD no frequency). This variant has not been reported in the literature in individuals affected with MYBPC3-related conditions. ClinVar contains an entry for this variant (Variation ID: 520276). An algorithm developed to predict the effect of missense changes on protein structure and function (PolyPhen-2) suggests that this variant is likely to be disruptive. In summary, the available evidence is currently insufficient to determine the role of this variant in disease. Therefore, it has been classified as a Variant of Uncertain Significance.

Literature cited by the submitters: PubMed 24111713 (cited by Ambry Genetics).

NM_000256.3(MYBPC3):c.3746G>A (p.Gly1249Asp)

Gene: MYBPC3 (myosin binding protein C3; minus strand). Cytogenetic location: 11p11.2.
Variant type: single nucleotide variant.
Coding change: c.3746G>A on transcript NM_000256.3 (MANE Select); coding-DNA position 3746, G replaced by A.
Protein change: p.Gly1249Asp; replaces glycine 1249 with aspartic acid.
Molecular consequence: missense variant.
Genome position (GRCh38, 1-based): chr11:47,332,140, C>T on the plus strand (G>A on the coding strand, the complement: MYBPC3 is on the minus strand). VCF-style: chr11-47332140-C-T. GRCh37 (hg19) VCF-style: chr11-47353691-C-T.
Other names: c.3746G>A, p.Gly1249Asp (LRG_386t1); short protein forms G1249D.
Identifiers: ClinVar variation 520276 (VCV000520276.9), dbSNP rs727504259, ClinGen allele CA380310946.